The following is an entry in ClinVar:

ClinVar aggregate classification (germline): Pathogenic (1 of 4 stars; one submission).

Allele frequency attached by ClinVar (database versions not stated): TOPMed below 0.00001; gnomAD 0.00001.
gnomAD v4.1: 1 of 1,613,996 alleles (0.000062%); highest among the groups gnomAD compares: African/African-American, 0.0013%; no homozygotes.

Submission:

Labcorp Genetics (formerly Invitae), Labcorp
Classification: Pathogenic. Last evaluated: 2023-11-24. Review status: criteria provided, single submitter. Criteria: Invitae Variant Classification Sherloc (09022015). Collection method: clinical testing. Allele origin: germline.
Comment: This sequence change creates a premature translational stop signal (p.Gln1442*) in the CAD gene. It is expected to result in an absent or disrupted protein product. Loss-of-function variants in CAD are known to be pathogenic (PMID: 28007989, 32117025, 32820246, 33497533). This variant is not present in population databases (gnomAD no frequency). This variant has not been reported in the literature in individuals affected with CAD-related conditions. Algorithms developed to predict the effect of sequence changes on RNA splicing suggest that this variant may disrupt the consensus splice site. For these reasons, this variant has been classified as Pathogenic.

Literature cited by the submitters: PubMed 28007989; PubMed 32117025; PubMed 32820246; PubMed 33497533.

NM_004341.5(CAD):c.4324C>T (p.Gln1442Ter)

Gene: CAD (carbamoyl-phosphate synthetase 2, aspartate transcarbamylase, and dihydroorotase; plus strand). Cytogenetic location: 2p23.3.
Variant type: single nucleotide variant.
Coding change: c.4324C>T on transcript NM_004341.5 (MANE Select); coding-DNA position 4324, C replaced by T.
Protein change: p.Gln1442Ter; replaces glutamine 1442 with a stop codon.
Molecular consequence: nonsense.
Genome position (GRCh38, 1-based): chr2:27,236,758, C>T. VCF-style: chr2-27236758-C-T. GRCh37 (hg19) VCF-style: chr2-27459626-C-T.
Other names: c.4135C>T, p.Gln1379Ter (NM_001306079.2); short protein forms Q1442*, Q1379*.
Identifiers: ClinVar variation 2698700 (VCV002698700.3), dbSNP rs1676028774, ClinGen allele CA346219394.
Genomic context (GRCh38, chr2:27,236,758, plus strand): 5'-ACAACTCCCAGGATCACCCTTCCCTTAAAGCTGACTGCTTTCCACTTGCAGGCCCTAGGC[C>T]AGATCGGGCCAGCCCCTCCTTTGAAGGTGCATGTTGACTGTATGACCTCCCAAAAGCTTG-3'